The following is an entry in ClinVar:

ClinVar aggregate classification (germline): Likely pathogenic (1 of 4 stars; one submission).

Conditions:
Waardenburg syndrome type 1 (WS1). Also called: WAARDENBURG SYNDROME WITH DYSTOPIA CANTHORUM; Waardenburg Syndrome Type I. Identifiers: Orphanet 894, MedGen C1847800, MONDO:0008670, OMIM 193500.

Submission:

Laboratory of Medical Genetics, National & Kapodistrian University of Athens
Classification: Likely pathogenic for Waardenburg syndrome type 1. Last evaluated: 2022-03-22. Review status: criteria provided, single submitter. Criteria: ACMG Guidelines, 2015. Collection method: clinical testing. Allele origin: germline. Affected: yes.
Comment: PM1, PM2, PP2, PP3

NM_181458.4(PAX3):c.688C>A (p.Gln230Lys)

Gene: PAX3 (paired box 3; minus strand). Cytogenetic location: 2q36.1.
Variant type: single nucleotide variant.
Coding change: c.688C>A on transcript NM_181458.4 (MANE Select); coding-DNA position 688, C replaced by A.
Protein change: p.Gln230Lys; replaces glutamine 230 with lysine.
Molecular consequence: missense variant.
Genome position (GRCh38, 1-based): chr2:222,232,182, G>T on the plus strand (C>A on the coding strand, the complement: PAX3 is on the minus strand). VCF-style: chr2-222232182-G-T. GRCh37 (hg19) VCF-style: chr2-223096901-G-T.
Other names: c.688C>A, p.Gln230Lys (NM_181460.4, NM_181461.4, NM_181457.4 and 1 more transcripts); c.685C>A, p.Gln229Lys (NM_001127366.3); short protein forms Q229K, Q230K.
Identifiers: ClinVar variation 1708138 (VCV001708138.1), dbSNP rs2469285416, ClinGen allele CA351112539.